The following is an entry in ClinVar:

NM_020822.3(KCNT1):c.73C>T (p.Arg25Trp)

Gene: KCNT1 (potassium sodium-activated channel subfamily T member 1; plus strand). Cytogenetic location: 9q34.3.
Variant type: single nucleotide variant.
Coding change: c.73C>T on transcript NM_020822.3 (MANE Select); coding-DNA position 73, C replaced by T.
Protein change: p.Arg25Trp; replaces arginine 25 with tryptophan.
Molecular consequence: missense variant.
Genome position (GRCh38, 1-based): chr9:135,702,331, C>T. VCF-style: chr9-135702331-C-T. GRCh37 (hg19) VCF-style: chr9-138594177-C-T.
Other names: c.73C>T, p.Arg25Trp (NM_001272003.2); short protein forms R25W.
Identifiers: ClinVar variation 937909 (VCV000937909.12), dbSNP rs775807509, ClinGen allele CA5326243.

ClinVar aggregate classification (germline): Likely pathogenic. Review status: criteria provided, single submitter (1 of 4 stars). 2 submissions from 2 submitters: Likely pathogenic (1). 1 of the submissions does not count toward it. Last evaluated 2025-08-01.

Conditions:
KCNT1-related disorder. Also called: KCNT1-related condition.
Autosomal dominant nocturnal frontal lobe epilepsy 5. Also called: KCNT1-Related Epilepsy; CILIARY DYSKINESIA, PRIMARY, 28, WITHOUT SITUS INVERSUS; CILIARY DYSKINESIA, PRIMARY, 28, WITH SITUS INVERSUS; Epilepsy, nocturnal frontal lobe, 5. Identifiers: Orphanet 98784, MedGen C3554306, MONDO:0014002, OMIM 615005.
Developmental and epileptic encephalopathy, 14 (DEE14). Also called: Early infantile epileptic encephalopathy 14. Identifiers: Orphanet 293181, MedGen C3554195, MONDO:0013989, OMIM 614959.

Allele frequency attached by ClinVar (database versions not stated): gnomAD 0.00001; TOPMed 0.00002.
gnomAD v4.1: 7 of 1,611,586 alleles (0.00043%); highest among the groups gnomAD compares: East Asian, 0.011%; no homozygotes.

Submissions (2):

Labcorp Genetics (formerly Invitae), Labcorp
Classification: Likely pathogenic for Autosomal dominant nocturnal frontal lobe epilepsy 5; Developmental and epileptic encephalopathy, 14. Last evaluated: 2025-08-01. Review status: criteria provided, single submitter. Criteria: Invitae Variant Classification Sherloc (09022015). Collection method: clinical testing. Allele origin: germline.
Comment: This sequence change replaces arginine, which is basic and polar, with tryptophan, which is neutral and slightly polar, at codon 25 of the KCNT1 protein (p.Arg25Trp). This variant is present in population databases (rs775807509, gnomAD 0.02%). This missense change has been observed in individual(s) with KCNT1-related conditions (internal data). In at least one individual the variant was observed to be de novo. ClinVar contains an entry for this variant (Variation ID: 937909). Invitae Evidence Modeling of protein sequence and biophysical properties (such as structural, functional, and spatial information, amino acid conservation, physicochemical variation, residue mobility, and thermodynamic stability) indicates that this missense variant is not expected to disrupt KCNT1 protein function with a negative predictive value of 95%. In summary, the currently available evidence indicates that the variant is pathogenic, but additional data are needed to prove that conclusively. Therefore, this variant has been classified as Likely Pathogenic.

PreventionGenetics, part of Exact Sciences
Classification: Uncertain significance for KCNT1-related condition. Last evaluated: 2023-11-01. Review status: no assertion criteria provided. Collection method: clinical testing. Allele origin: germline. Not counted in ClinVar's aggregate classification.
Comment: The KCNT1 c.73C>T variant is predicted to result in the amino acid substitution p.Arg25Trp. To our knowledge, this variant has not been reported in the literature. This variant is reported in 0.020% of alleles in individuals of East Asian descent in gnomAD. At this time, the clinical significance of this variant is uncertain due to the absence of conclusive functional and genetic evidence.